The following is an entry in ClinVar:

ClinVar aggregate classification (germline): Uncertain significance (1 of 4 stars; one submission).

Conditions:
TTN-related disorder. Also called: TTN-related disorders; TTN-related condition; TTN-related disease.

gnomAD v4.1: 8 of 1,613,196 alleles (0.0005%); highest among the groups gnomAD compares: Non-Finnish European, 0.00068%; no homozygotes.

Submission:

PreventionGenetics, part of Exact Sciences
Classification: Uncertain significance for TTN-related condition. Last evaluated: 2026-03-18. Review status: criteria provided, single submitter. Criteria: ACMG Guidelines, 2015. Collection method: clinical testing. Allele origin: germline.
Comment: The TTN c.75812A>G variant is predicted to result in the amino acid substitution p.Glu25271Gly. To our knowledge, this variant has not been reported in the literature. This variant is reported in 0.0016% of alleles in individuals of European (Non-Finnish) descent in gnomAD. At this time, the clinical significance of this variant is uncertain due to the absence of conclusive functional and genetic evidence.

NM_001267550.2(TTN):c.75812A>G (p.Glu25271Gly)

Genes: TTN (titin; minus strand), TTN-AS1 (TTN antisense RNA 1; plus strand). Cytogenetic location: 2q31.2.
Variant type: single nucleotide variant.
Coding change: c.75812A>G on transcript NM_001267550.2 (MANE Select); coding-DNA position 75812, A replaced by G.
Protein change: p.Glu25271Gly; replaces glutamic acid 25271 with glycine.
Molecular consequence: missense variant.
Genome position (GRCh38, 1-based): chr2:178,570,320, T>C on the plus strand (A>G on the coding strand, the complement: TTN is on the minus strand). VCF-style: chr2-178570320-T-C. GRCh37 (hg19) VCF-style: chr2-179435047-T-C.
Other names: c.70889A>G, p.Glu23630Gly (NM_001256850.1); c.48617A>G, p.Glu16206Gly (NM_003319.4); c.68108A>G, p.Glu22703Gly (NM_133378.4); c.48992A>G, p.Glu16331Gly (NM_133432.3); c.49193A>G, p.Glu16398Gly (NM_133437.4); short protein forms E16206G, E16331G, E23630G, E16398G, E25271G, E22703G.
Identifiers: ClinVar variation 4984744 (VCV004984744.1).